The following is an entry in ClinVar:

ClinVar aggregate classification (germline): Uncertain significance (0 of 4 stars; one submission).

Conditions:
Lissencephaly due to TUBA1A mutation (CDCBM16). Also called: CORTICAL DYSPLASIA, COMPLEX, WITH OTHER BRAIN MALFORMATIONS 16; Lissencephaly 3. Identifiers: Orphanet 171680, MedGen C4305153, MONDO:0012703, OMIM 611603.

Submission:

OMIM
Classification: Uncertain significance for VARIANT OF UNKNOWN SIGNIFICANCE. Last evaluated: 2026-07-21. Review status: no assertion criteria provided. Collection method: literature only. Allele origin: germline.

Literature cited by the submitters: PubMed 37435044 (cited by OMIM).

NM_006009.4(TUBA1A):c.1151T>A (p.Ile384Asn)

Gene: TUBA1A (tubulin alpha 1a; minus strand). Cytogenetic location: 12q13.12.
Variant type: single nucleotide variant.
Coding change: c.1151T>A on transcript NM_006009.4 (MANE Select); coding-DNA position 1151, T replaced by A.
Protein change: p.Ile384Asn; replaces isoleucine 384 with asparagine.
Molecular consequence: missense variant.
Genome position (GRCh38, 1-based): chr12:49,185,215, A>T on the plus strand (T>A on the coding strand, the complement: TUBA1A is on the minus strand). VCF-style: chr12-49185215-A-T. GRCh37 (hg19) VCF-style: chr12-49578998-A-T.
Other names: c.1151T>A, p.Ile384Asn (NM_001270399.2); c.1046T>A, p.Ile349Asn (NM_001270400.2); short protein forms I384N, I349N.
Identifiers: ClinVar variation 585140 (VCV000585140.3), dbSNP rs1565626962, ClinGen allele CA384635286.